The following is an entry in ClinVar:

NM_014452.5(TNFRSF21):c.81G>A (p.Ala27=)

Gene: TNFRSF21 (TNF receptor superfamily member 21; minus strand). Cytogenetic location: 6p12.3.
Variant type: single nucleotide variant.
Coding change: c.81G>A on transcript NM_014452.5 (MANE Select); coding-DNA position 81, G replaced by A.
Protein change: p.Ala27=; no amino-acid change (alanine 27 retained).
Molecular consequence: synonymous variant.
Genome position (GRCh38, 1-based): chr6:47,309,431, C>T on the plus strand (G>A on the coding strand, the complement: TNFRSF21 is on the minus strand). VCF-style: chr6-47309431-C-T. GRCh37 (hg19) VCF-style: chr6-47277167-C-T.
Identifiers: ClinVar variation 4979285 (VCV004979285.1).

ClinVar aggregate classification (germline): Likely benign (1 of 4 stars; one submission).

Conditions:
TNFRSF21-related condition.

gnomAD v4.1: 207 of 1,550,020 alleles (0.013%); highest among the groups gnomAD compares: Admixed American, 0.039%; no homozygotes.

Submission:

PreventionGenetics, part of Exact Sciences
Classification: Likely benign for TNFRSF21-related condition. Last evaluated: 2026-09-20. Review status: criteria provided, single submitter. Criteria: ACMG Guidelines, 2015. Collection method: clinical testing. Allele origin: germline.
Comment: This variant is classified as likely benign based on ACMG/AMP sequence variant interpretation guidelines (Richards et al. 2015 PMID: 25741868, with internal and published modifications).